The following is an entry in ClinVar:

ClinVar aggregate classification (germline): Uncertain significance (1 of 4 stars; one submission).

Submission:

GeneDx
Classification: Uncertain significance. Last evaluated: 2023-12-07. Review status: criteria provided, single submitter. Criteria: GeneDx Variant Classification Process June 2021. Collection method: clinical testing. Allele origin: germline. Affected: yes.
Comment: Not observed at significant frequency in large population cohorts (gnomAD); In silico analysis supports that this missense variant does not alter protein structure/function; Has not been previously published as pathogenic or benign to our knowledge

NM_017635.5(KMT5B):c.2597C>G (p.Ser866Cys)

Gene: KMT5B (lysine methyltransferase 5B; minus strand). Cytogenetic location: 11q13.2.
Variant type: single nucleotide variant.
Coding change: c.2597C>G on transcript NM_017635.5 (MANE Select); coding-DNA position 2597, C replaced by G.
Protein change: p.Ser866Cys; replaces serine 866 with cysteine.
Molecular consequence: missense variant.
Genome position (GRCh38, 1-based): chr11:68,157,749, G>C on the plus strand (C>G on the coding strand, the complement: KMT5B is on the minus strand). VCF-style: chr11-68157749-G-C. GRCh37 (hg19) VCF-style: chr11-67925216-G-C.
Other names: c.2081C>G, p.Ser694Cys (NM_001300907.1, NM_001369428.1, NM_001369429.1 and 4 more transcripts); c.1877C>G, p.Ser626Cys (NM_001300908.2); c.2597C>G, p.Ser866Cys (NM_001369426.1); short protein forms S626C, S694C, S866C.
Identifiers: ClinVar variation 3252130 (VCV003252130.1), dbSNP rs2496178502.